The following is an entry in ClinVar:

ClinVar aggregate classification (germline): Conflicting classifications of pathogenicity. Review status: criteria provided, conflicting classifications (1 of 4 stars). 5 submissions from 4 submitters: Uncertain significance (3); Likely benign (2). Last evaluated 2025-12-19.

Conditions:
History of neurodevelopmental disorder. Identifiers: MedGen C2711754.
Inborn genetic diseases. Identifiers: MedGen C0950123, MeSH D030342.
Epilepsy, X-linked 1, with variable learning disabilities and behavior disorders. Also called: X-linked epilepsy-learning disabilities-behavior disorders syndrome. Identifiers: Orphanet 85294, MedGen C5774177, MONDO:0010339, OMIM 300491.

Allele frequency attached by ClinVar (database versions not stated): gnomAD 0.00004; TOPMed 0.00004.
gnomAD v4.1: 104 of 1,184,806 alleles (0.0088%); highest among the groups gnomAD compares: Non-Finnish European, 0.011%; no homozygotes.

Submissions (5):

Labcorp Genetics (formerly Invitae), Labcorp
Classification: Uncertain significance for Epilepsy, X-linked 1, with variable learning disabilities and behavior disorders. Last evaluated: 2025-12-19. Review status: criteria provided, single submitter. Criteria: Invitae Variant Classification Sherloc (09022015). Collection method: clinical testing. Allele origin: germline.
Comment: This sequence change replaces alanine, which is neutral and non-polar, with serine, which is neutral and polar, at codon 441 of the SYN1 protein (p.Ala441Ser). The frequency data for this variant in the population databases is considered unreliable, as metrics indicate poor data quality at this position in the gnomAD database. This variant has not been reported in the literature in individuals affected with SYN1-related conditions. ClinVar contains an entry for this variant (Variation ID: 590235). An algorithm developed to predict the effect of missense changes on protein structure and function (PolyPhen-2) suggests that this variant is likely to be tolerated. In summary, the available evidence is currently insufficient to determine the role of this variant in disease. Therefore, it has been classified as a Variant of Uncertain Significance.

Ambry Genetics
Classification: Likely benign for Inborn genetic diseases. Last evaluated: 2022-11-17. Review status: criteria provided, single submitter. Criteria: Ambry Variant Classification Scheme 2023. Collection method: clinical testing. Allele origin: germline.

Mayo Clinic Laboratories, Mayo Clinic
Classification: Uncertain significance. Last evaluated: 2022-06-24. Review status: criteria provided, single submitter. Criteria: ACMG Guidelines, 2015. Collection method: clinical testing. Allele origin: germline. Observed: 1 variant allele.
Comment: BP4

Baylor Genetics
Classification: Uncertain significance for Epilepsy, X-linked 1, with variable learning disabilities and behavior disorders. Last evaluated: 2019-01-10. Review status: criteria provided, single submitter. Criteria: ACMG Guidelines, 2015. Collection method: clinical testing. Allele origin: maternal. Affected: yes.
Comment: This variant was determined to be of uncertain significance according to ACMG Guidelines, 2015 [PMID:25741868].

Ambry Genetics
Classification: Likely benign for History of neurodevelopmental disorder. Last evaluated: 2013-06-12. Review status: criteria provided, single submitter. Criteria: Ambry Autosomal Dominant and X-Linked criteria (10/2015). Collection method: clinical testing. Allele origin: germline. Observed: 1 variant allele.
Comment: In silico models in agreement (benign);Other data supporting benign classification

NM_006950.3(SYN1):c.1321G>T (p.Ala441Ser)

Gene: SYN1 (synapsin I; minus strand). Cytogenetic location: Xp11.3.
Variant type: single nucleotide variant.
Coding change: c.1321G>T on transcript NM_006950.3 (MANE Select); coding-DNA position 1321, G replaced by T.
Protein change: p.Ala441Ser; replaces alanine 441 with serine.
Molecular consequence: missense variant.
Genome position (GRCh38, 1-based): chrX:47,574,760, C>A on the plus strand (G>T on the coding strand, the complement: SYN1 is on the minus strand). VCF-style: chrX-47574760-C-A. GRCh37 (hg19) VCF-style: chrX-47434159-C-A.
Other names: p.Ala441Ser; c.1321G>T, p.Ala441Ser (NM_133499.2); short protein forms A441S.
Identifiers: ClinVar variation 590235 (VCV000590235.14), dbSNP rs772106134, ClinGen allele CA10398368.